The following is an entry in ClinVar:

ClinVar aggregate classification (germline): Likely benign (1 of 4 stars; one submission).

Conditions:
Ichthyosis bullosa of Siemens (IBS). Also called: Superficial epidermolytic ichthyosis. Identifiers: Orphanet 455, MedGen C0432306, MONDO:0007813, OMIM 146800.

Allele frequency attached by ClinVar (database versions not stated): gnomAD exomes 0.00003 and 0.00004; ExAC 0.00004; gnomAD 0.00004 and 0.00005.
gnomAD v4.1: 60 of 1,602,942 alleles (0.0037%); highest among the groups gnomAD compares: Middle Eastern, 0.017%; no homozygotes.

Submission:

Illumina Laboratory Services, Illumina
Classification: Likely benign for Ichthyosis bullosa of Siemens. Last evaluated: 2018-01-13. Review status: criteria provided, single submitter. Criteria: ICSL Variant Classification Criteria 13 December 2019. Collection method: clinical testing. Allele origin: germline.
Comment: This variant was observed in the ICSL laboratory as part of a predisposition screen in an ostensibly healthy population. It had not been previously curated by ICSL or reported in the Human Gene Mutation Database (HGMD: prior to June 1st, 2018), and was therefore a candidate for classification through an automated scoring system. Utilizing variant allele frequency, disease prevalence and penetrance estimates, and inheritance mode, an automated score was calculated to assess if this variant is too frequent to cause the disease. Based on the score and internal cut-off values, a variant classified as likely benign is not then subjected to further curation. The score for this variant resulted in a classification of likely benign for this disease.

NM_000423.3(KRT2):c.294C>T (p.Gly98=)

Gene: KRT2 (keratin 2; minus strand). Cytogenetic location: 12q13.13.
Variant type: single nucleotide variant.
Coding change: c.294C>T on transcript NM_000423.3 (MANE Select); coding-DNA position 294, C replaced by T.
Protein change: p.Gly98=; no amino-acid change (glycine 98 retained).
Molecular consequence: synonymous variant.
Genome position (GRCh38, 1-based): chr12:52,651,849, G>A on the plus strand (C>T on the coding strand, the complement: KRT2 is on the minus strand). VCF-style: chr12-52651849-G-A. GRCh37 (hg19) VCF-style: chr12-53045633-G-A.
Identifiers: ClinVar variation 309624 (VCV000309624.5), dbSNP rs182369139, ClinGen allele CA6585900.